The following is an entry in ClinVar:

NM_000208.4(INSR):c.3312G>A (p.Glu1104=)

Gene: INSR (insulin receptor; minus strand). Cytogenetic location: 19p13.2.
Variant type: single nucleotide variant.
Coding change: c.3312G>A on transcript NM_000208.4 (MANE Select); coding-DNA position 3312, G replaced by A.
Protein change: p.Glu1104=; no amino-acid change (glutamic acid 1104 retained).
Molecular consequence: synonymous variant.
Genome position (GRCh38, 1-based): chr19:7,122,936, C>T on the plus strand (G>A on the coding strand, the complement: INSR is on the minus strand). VCF-style: chr19-7122936-C-T. GRCh37 (hg19) VCF-style: chr19-7122947-C-T.
Other names: c.3276G>A, p.Glu1092= (NM_001079817.3).
Identifiers: ClinVar variation 2637767 (VCV002637767.1), dbSNP rs1445698616, ClinGen allele CA505217084.

ClinVar aggregate classification (germline): Likely benign (1 of 4 stars; one submission).

Allele frequency attached by ClinVar (database versions not stated): gnomAD exomes below 0.00001; gnomAD 0.00001; TOPMed 0.00001.
gnomAD v4.1: 3 of 1,608,744 alleles (0.00019%); highest among the groups gnomAD compares: Non-Finnish European, 0.00025%; no homozygotes.

Submission:

Women's Health and Genetics/Laboratory Corporation of America, LabCorp
Classification: Likely benign. Last evaluated: 2023-10-17. Review status: criteria provided, single submitter. Criteria: LabCorp Variant Classification Summary - May 2015. Collection method: clinical testing. Allele origin: germline.
Comment: Variant summary: INSR c.3312G>A alters a conserved nucleotide resulting in a synonymous change. Consensus agreement among computation tools predict no significant impact on normal splicing. However, these predictions have yet to be confirmed by functional studies. The variant was absent in 243164 control chromosomes. The available data on variant occurrences in the general population are insufficient to allow any conclusion about variant significance. To our knowledge, no occurrence of c.3312G>A in individuals affected with Hyperinsulinemic Hypoglycemia Familial 5 and no experimental evidence demonstrating its impact on protein function have been reported. No submitters have cited clinical-significance assessments for this variant to ClinVar after 2014. Based on the evidence outlined above, the variant was classified as likely benign.